The following is an entry in ClinVar:

ClinVar aggregate classification (germline): Conflicting classifications of pathogenicity. Review status: criteria provided, conflicting classifications (1 of 4 stars). 4 submissions from 4 submitters: Uncertain significance (1); Likely benign (3). Last evaluated 2026-06-27.

Conditions:
DNAAF1-related disorder. Also called: DNAAF1-related condition.
Primary ciliary dyskinesia. Also called: Ciliary dyskinesia. Identifiers: Orphanet 244, MedGen C0008780, MONDO:0016575, HP:0012265.

Allele frequency attached by ClinVar (database versions not stated): TOPMed 0.00019; gnomAD 0.00023; ESP Exome Variant Server 0.00038; 1000 Genomes Project 0.00080; 1000 Genomes Project 30x 0.00094.
gnomAD v4.1: 86 of 1,613,976 alleles (0.0053%); highest among the groups gnomAD compares: African/African-American, 0.055%; no homozygotes.

Submissions (4):

PreventionGenetics, part of Exact Sciences
Classification: Likely benign for DNAAF1-related condition. Last evaluated: 2026-06-27. Review status: criteria provided, single submitter. Criteria: ACMG Guidelines, 2015. Collection method: clinical testing. Allele origin: germline.
Comment: This variant is classified as likely benign based on ACMG/AMP sequence variant interpretation guidelines (Richards et al. 2015 PMID: 25741868, with internal and published modifications).

Labcorp Genetics (formerly Invitae), Labcorp
Classification: Likely benign for Primary ciliary dyskinesia. Last evaluated: 2026-02-01. Review status: criteria provided, single submitter. Criteria: Invitae Variant Classification Sherloc (09022015). Collection method: clinical testing. Allele origin: germline.

Ambry Genetics
Classification: Likely benign for Primary ciliary dyskinesia. Last evaluated: 2024-11-23. Review status: criteria provided, single submitter. Criteria: Ambry Variant Classification Scheme 2023. Collection method: clinical testing. Allele origin: germline.

Eurofins Ntd Llc (ga)
Classification: Uncertain significance. Last evaluated: 2015-09-14. Review status: criteria provided, single submitter. Criteria: EGL Classification Definitions 2015. Collection method: clinical testing. Allele origin: germline. Observed: 1 variant allele, 1 heterozygote.

NM_178452.6(DNAAF1):c.735C>T (p.Pro245=)

Gene: DNAAF1 (dynein axonemal assembly factor 1; plus strand). Cytogenetic location: 16q24.1.
Variant type: single nucleotide variant.
Coding change: c.735C>T on transcript NM_178452.6 (MANE Select); coding-DNA position 735, C replaced by T.
Protein change: p.Pro245=; no amino-acid change (proline 245 retained).
Molecular consequence: synonymous variant.
Genome position (GRCh38, 1-based): chr16:84,155,743, C>T. VCF-style: chr16-84155743-C-T. GRCh37 (hg19) VCF-style: chr16-84189348-C-T.
Other names: c.735C>T (NM_178452.5).
Identifiers: ClinVar variation 282356 (VCV000282356.17), dbSNP rs139566676, ClinGen allele CA8202584.